The following is an entry in ClinVar:

ClinVar aggregate classification (germline): Conflicting classifications of pathogenicity. Review status: criteria provided, conflicting classifications (1 of 4 stars). 3 submissions from 3 submitters: Uncertain significance (2); Likely benign (1). Last evaluated 2023-03-23.

Conditions:
Hereditary cancer-predisposing syndrome. Also called: Neoplastic Syndromes, Hereditary; Tumor predisposition; Hereditary Cancer Syndrome; Hereditary neoplastic syndrome. Identifiers: Orphanet 140162, MedGen C0027672, MeSH D009386, MONDO:0015356.
Hereditary breast ovarian cancer syndrome. Also called: Hereditary breast and ovarian cancer syndrome; Hereditary breast and ovarian cancer; Hereditary breast and ovarian cancer syndrome (HBOC); Breast and ovarian cancer; Hereditary breast and/or ovarian cancer syndrome; BRCA1- and BRCA2-Associated Hereditary Breast and Ovarian Cancer. Identifiers: Orphanet 145, MedGen C0677776, MeSH D061325, MONDO:0003582. Disease mechanism: loss of function.

Submissions (3):

University of Washington Department of Laboratory Medicine, University of Washington
Classification: Likely benign for Hereditary cancer-predisposing syndrome. Last evaluated: 2023-03-23. Review status: criteria provided, single submitter. Criteria: Dines et al. (Genet Med. 2020). Collection method: curation. Allele origin: germline.
Comment: Missense variant in a coldspot region where missense variants are very unlikely to be pathogenic (PMID:31911673).

BRCA2 exon 11 coldspot. Reclassification based on statistical prior probability.

Labcorp Genetics (formerly Invitae), Labcorp
Classification: Uncertain significance for Hereditary breast ovarian cancer syndrome. Last evaluated: 2020-08-23. Review status: criteria provided, single submitter. Criteria: Invitae Variant Classification Sherloc (09022015). Collection method: clinical testing. Allele origin: germline.
Comment: In summary, the available evidence is currently insufficient to determine the role of this variant in disease. Therefore, it has been classified as a Variant of Uncertain Significance. Advanced modeling of protein sequence and biophysical properties (such as structural, functional, and spatial information, amino acid conservation, physicochemical variation, residue mobility, and thermodynamic stability) performed at Invitae indicates that this missense variant is not expected to disrupt BRCA2 protein function. This variant has not been reported in the literature in individuals with BRCA2-related conditions. ClinVar contains an entry for this variant (Variation ID: 483013). This variant is not present in population databases (ExAC no frequency). This sequence change replaces leucine with serine at codon 1930 of the BRCA2 protein (p.Leu1930Ser). The leucine residue is weakly conserved and there is a large physicochemical difference between leucine and serine.

Ambry Genetics
Classification: Uncertain significance for Hereditary cancer-predisposing syndrome. Last evaluated: 2016-03-15. Review status: criteria provided, single submitter. Criteria: Ambry Variant Classification Scheme 2023. Collection method: clinical testing. Allele origin: germline.
Comment: The p.L1930S variant (also known as c.5789T>C), located in coding exon 10 of the BRCA2 gene, results from a T to C substitution at nucleotide position 5789. The leucine at codon 1930 is replaced by serine, an amino acid with dissimilar properties. This variant was not reported in population based cohorts in the following databases: Database of Single Nucleotide Polymorphisms (dbSNP), NHLBI Exome Sequencing Project (ESP), and 1000 Genomes Project. In the ESP, this variant was not observed in 6502 samples (13004 alleles) with coverage at this position. To date, this alteration has been detected with an allele frequency of approximately 0.0004% (greater than 225000 alleles tested) in our clinical cohort. This amino acid position is well conserved in available vertebrate species. In addition, this alteration is predicted to be tolerated by in silico analysis. Since supporting evidence is limited at this time, the clinical significance of this alteration remains unclear.

NM_000059.4(BRCA2):c.5789T>C (p.Leu1930Ser)

Gene: BRCA2 (BRCA2 DNA repair associated; plus strand). Cytogenetic location: 13q13.1.
Variant type: single nucleotide variant.
Coding change: c.5789T>C on transcript NM_000059.4 (MANE Select); coding-DNA position 5789, T replaced by C.
Protein change: p.Leu1930Ser; replaces leucine 1930 with serine.
Molecular consequence: missense variant.
Genome position (GRCh38, 1-based): chr13:32,340,144, T>C. VCF-style: chr13-32340144-T-C. GRCh37 (hg19) VCF-style: chr13-32914281-T-C.
Other names: short protein forms L1930S.
Identifiers: ClinVar variation 483013 (VCV000483013.15), dbSNP rs397507805, ClinGen allele CA387787167.
Genomic context (GRCh38, chr13:32,340,144, plus strand): 5'-ATGATGAATGTAGCACGCATTCACATAAGGTTTTTGCTGACATTCAGAGTGAAGAAATTT[T>C]ACAACATAACCAAAATATGTCTGGATTGGAGAAAGTTTCTAAAATATCACCTTGTGATGT-3'
Protein context (NP_000050.3, residues 1920-1940): VFADIQSEEI[Leu1930Ser]QHNQNMSGLE